The following is an entry in ClinVar:

ClinVar aggregate classification (germline): Uncertain significance (1 of 4 stars; one submission).

Conditions:
46,XY sex reversal 2. Also called: NR0B1-Related 46,XY CGD; NR0B1-related 46,XY complete gonadal dysgenesis; Dosage-sensitive sex reversal; 46,XY SEX REVERSAL, DAX1-RELATED; 46XY sex reversal 2, dosage-sensitive. Identifiers: MedGen C1848296, MONDO:0010226, OMIM 300018.
Congenital adrenal hypoplasia, X-linked (AHC). Also called: Isolated X-Linked Adrenal Hypoplasia Congenita; X-linked AHC; X-Linked Adrenal Hypoplasia Congenita; ADRENAL HYPOPLASIA, CONGENITAL, WITH HYPOGONADOTROPIC HYPOGONADISM. Identifiers: Orphanet 95702, MedGen C0342482, MONDO:0010264, OMIM 300200. Disease mechanism: loss of function.

Submission:

Labcorp Genetics (formerly Invitae), Labcorp
Classification: Uncertain significance for Congenital adrenal hypoplasia, X-linked; 46,XY sex reversal 2. Last evaluated: 2024-11-03. Review status: criteria provided, single submitter. Criteria: Invitae Variant Classification Sherloc (09022015). Collection method: clinical testing. Allele origin: germline.
Comment: This sequence change replaces glycine, which is neutral and non-polar, with serine, which is neutral and polar, at codon 261 of the NR0B1 protein (p.Gly261Ser). This variant is not present in population databases (gnomAD no frequency). This variant has not been reported in the literature in individuals affected with NR0B1-related conditions. Invitae Evidence Modeling of protein sequence and biophysical properties (such as structural, functional, and spatial information, amino acid conservation, physicochemical variation, residue mobility, and thermodynamic stability) has been performed for this missense variant. However, the output from this modeling did not meet the statistical confidence thresholds required to predict the impact of this variant on NR0B1 protein function. In summary, the available evidence is currently insufficient to determine the role of this variant in disease. Therefore, it has been classified as a Variant of Uncertain Significance.

NM_000475.5(NR0B1):c.781G>A (p.Gly261Ser)

Gene: NR0B1 (nuclear receptor subfamily 0 group B member 1; minus strand). Cytogenetic location: Xp21.2.
Variant type: single nucleotide variant.
Coding change: c.781G>A on transcript NM_000475.5 (MANE Select); coding-DNA position 781, G replaced by A.
Protein change: p.Gly261Ser; replaces glycine 261 with serine.
Molecular consequence: missense variant.
Genome position (GRCh38, 1-based): chrX:30,308,583, C>T on the plus strand (G>A on the coding strand, the complement: NR0B1 is on the minus strand). VCF-style: chrX-30308583-C-T. GRCh37 (hg19) VCF-style: chrX-30326700-C-T.
Other names: short protein forms G261S.
Identifiers: ClinVar variation 3757981 (VCV003757981.2).